The following is an entry in ClinVar:

NM_025194.3(ITPKC):c.921G>A (p.Glu307=)

Gene: ITPKC (inositol-trisphosphate 3-kinase C; plus strand). Cytogenetic location: 19q13.2.
Variant type: single nucleotide variant.
Coding change: c.921G>A on transcript NM_025194.3 (MANE Select); coding-DNA position 921, G replaced by A.
Protein change: p.Glu307=; no amino-acid change (glutamic acid 307 retained).
Molecular consequence: synonymous variant.
Genome position (GRCh38, 1-based): chr19:40,718,056, G>A. VCF-style: chr19-40718056-G-A. GRCh37 (hg19) VCF-style: chr19-41223961-G-A.
Other names: c.921G>A, p.Glu307= (NM_001411098.1).
Identifiers: ClinVar variation 3050711 (VCV003050711.2), dbSNP rs202231780, ClinGen allele CA9450733.

ClinVar aggregate classification (germline): Likely benign (0 of 4 stars; one submission).

Conditions:
ITPKC-related disorder. Also called: ITPKC-related condition.

Allele frequency attached by ClinVar (database versions not stated): gnomAD 0.00011; 1000 Genomes Project 0.00020; gnomAD exomes 0.00011; ExAC 0.00015; ESP Exome Variant Server 0.00015; 1000 Genomes Project 30x 0.00016; TOPMed 0.00016.
gnomAD v4.1: 190 of 1,614,152 alleles (0.012%); highest among the groups gnomAD compares: Middle Eastern, 0.33%; no homozygotes.

Submission:

PreventionGenetics, part of Exact Sciences
Classification: Likely benign for ITPKC-related condition. Last evaluated: 2019-03-07. Review status: no assertion criteria provided. Collection method: clinical testing. Allele origin: germline.
Comment: This variant is classified as likely benign based on ACMG/AMP sequence variant interpretation guidelines (Richards et al. 2015 PMID: 25741868, with internal and published modifications).